The following is an entry in ClinVar:

NM_152328.5(ADSS1):c.967C>T (p.Gln323Ter)

Gene: ADSS1 (adenylosuccinate synthase 1; plus strand). Cytogenetic location: 14q32.33.
Variant type: single nucleotide variant.
Coding change: c.967C>T on transcript NM_152328.5 (MANE Select); coding-DNA position 967, C replaced by T.
Protein change: p.Gln323Ter; replaces glutamine 323 with a stop codon.
Molecular consequence: nonsense.
Genome position (GRCh38, 1-based): chr14:104,743,085, C>T. VCF-style: chr14-104743085-C-T. GRCh37 (hg19) VCF-style: chr14-105209422-C-T.
Other names: p.Gln366*; c.352C>T, p.Gln118Ter (NM_001320424.1); c.1096C>T, p.Gln366Ter (NM_199165.2); short protein forms Q118*, Q323*, Q366*.
Identifiers: ClinVar variation 1681988 (VCV001681988.8), dbSNP rs756832498, ClinGen allele CA7373960.

ClinVar aggregate classification (germline): Pathogenic/Likely pathogenic. Review status: criteria provided, multiple submitters, no conflicts (2 of 4 stars). 3 submissions from 3 submitters: Pathogenic (1); Likely pathogenic (2). Last evaluated 2026-01-08.

Conditions:
Myopathy, distal, 5 (MPD5). Also called: Adenylosuccinate synthetase-like 1-related distal myopathy. Identifiers: Orphanet 482601, MedGen C5567521, MONDO:0014877, OMIM 617030.

Allele frequency attached by ClinVar (database versions not stated): gnomAD 0.00003; gnomAD exomes 0.00004 and 0.00007; TOPMed 0.00005; ExAC 0.00006.
gnomAD v4.1: 62 of 1,612,938 alleles (0.0038%); highest among the groups gnomAD compares: Non-Finnish European, 0.0022%; no homozygotes.

Submissions (3):

Labcorp Genetics (formerly Invitae), Labcorp
Classification: Pathogenic. Last evaluated: 2026-01-08. Review status: criteria provided, single submitter. Criteria: Invitae Variant Classification Sherloc (09022015). Collection method: clinical testing. Allele origin: germline.
Comment: This sequence change creates a premature translational stop signal (p.Gln366*) in the ADSSL1 gene. It is expected to result in an absent or disrupted protein product. Loss-of-function variants in ADSSL1 are known to be pathogenic (PMID: 26506222). This variant is present in population databases (rs756832498, gnomAD 0.1%). This variant has not been reported in the literature in individuals affected with ADSSL1-related conditions. ClinVar contains an entry for this variant (Variation ID: 1681988). For these reasons, this variant has been classified as Pathogenic.

Mayo Clinic Laboratories, Mayo Clinic
Classification: Likely pathogenic. Last evaluated: 2025-09-09. Review status: criteria provided, single submitter. Criteria: ACMG Guidelines, 2015. Collection method: clinical testing. Allele origin: germline. Observed: 1 variant allele.
Comment: PM2_supporting, PVS1

Department of Pathology and Laboratory Medicine, Sinai Health System
Classification: Likely pathogenic for Myopathy, distal, 5. Last evaluated: 2023-01-25. Review status: criteria provided, single submitter. Criteria: ACMG Guidelines, 2015. Collection method: research. Allele origin: germline.

Literature cited by the submitters: PubMed 26506222 (cited by Labcorp Genetics (formerly Invitae), Labcorp).